The following is an entry in ClinVar:

ClinVar aggregate classification (germline): Conflicting classifications of pathogenicity. Review status: criteria provided, conflicting classifications (1 of 4 stars). 2 submissions from 2 submitters: Pathogenic (1); Uncertain significance (1). Last evaluated 2023-06-23.

Conditions:
Seizures, benign familial infantile, 3 (BFIS3). Also called: CONVULSIONS, BENIGN FAMILIAL INFANTILE, 3; Familial neonatal seizures. Identifiers: Orphanet 140927, Orphanet 306, MedGen C1843140, MONDO:0011904, OMIM 607745.
Developmental and epileptic encephalopathy, 11 (DEE11). Also called: Early infantile epileptic encephalopathy 11. Identifiers: Orphanet 1934, MedGen C3150987, MONDO:0013388, OMIM 613721.

Submissions (2):

GeneDx
Classification: Pathogenic. Last evaluated: 2023-06-23. Review status: criteria provided, single submitter. Criteria: GeneDx Variant Classification Process June 2021. Collection method: clinical testing. Allele origin: germline. Affected: yes.
Comment: Not observed at significant frequency in large population cohorts (gnomAD); Missense variants in this gene are often considered pathogenic (HGMD); In silico analysis supports that this missense variant has a deleterious effect on protein structure/function; This substitution is predicted to be within the cytoplasmic loop between the third and fourth homologous domains; This variant is associated with the following publications: (PMID: 30564305, 33731876, 32603808)

Labcorp Genetics (formerly Invitae), Labcorp
Classification: Uncertain significance for Benign familial neonatal-infantile seizures; Early infantile epileptic encephalopathy 11. Last evaluated: 2019-11-01. Review status: criteria provided, single submitter. Criteria: Invitae Variant Classification Sherloc (09022015). Collection method: clinical testing. Allele origin: germline.
Comment: This sequence change replaces aspartic acid with glutamic acid at codon 1487 of the SCN2A protein (p.Asp1487Glu). The aspartic acid residue is highly conserved and there is a small physicochemical difference between aspartic acid and glutamic acid. This variant is not present in population databases (ExAC no frequency). This variant has been observed as de novo in individual(s) with autism spectrum disorder (PMID: 30564305). Algorithms developed to predict the effect of missense changes on protein structure and function are either unavailable or do not agree on the potential impact of this missense change (SIFT: "Deleterious"; PolyPhen-2: "Benign"; Align-GVGD: "Class C0"). In summary, the available evidence is currently insufficient to determine the role of this variant in disease. Therefore, it has been classified as a Variant of Uncertain Significance.

Literature cited by the submitters: PubMed 30564305 (cited by Labcorp Genetics (formerly Invitae), Labcorp).

NM_001040142.2(SCN2A):c.4461C>G (p.Asp1487Glu)

Gene: SCN2A (sodium voltage-gated channel alpha subunit 2; plus strand). Cytogenetic location: 2q24.3.
Variant type: single nucleotide variant.
Coding change: c.4461C>G on transcript NM_001040142.2 (MANE Select); coding-DNA position 4461, C replaced by G.
Protein change: p.Asp1487Glu; replaces aspartic acid 1487 with glutamic acid.
Molecular consequence: missense variant.
Genome position (GRCh38, 1-based): chr2:165,381,107, C>G. VCF-style: chr2-165381107-C-G. GRCh37 (hg19) VCF-style: chr2-166237617-C-G.
Other names: c.4461C>G, p.Asp1487Glu (NM_001040143.2, NM_001371246.1, NM_001371247.1 and 1 more transcripts); short protein forms D1487E.
Identifiers: ClinVar variation 964953 (VCV000964953.2), dbSNP rs1553462203, ClinGen allele CA349034565.